The following is an entry in ClinVar:

NM_000535.7(PMS2):c.29A>C (p.Glu10Ala)

Gene: PMS2 (PMS1 homolog 2, mismatch repair system component; minus strand). Cytogenetic location: 7p22.1.
Variant type: single nucleotide variant.
Coding change: c.29A>C on transcript NM_000535.7 (MANE Select); coding-DNA position 29, A replaced by C.
Protein change: p.Glu10Ala; replaces glutamic acid 10 with alanine.
Molecular consequence: missense variant. On other transcripts: 5 prime UTR variant (8), non-coding transcript variant (1), intron variant (3).
Genome position (GRCh38, 1-based): chr7:6,006,026, T>G on the plus strand (A>C on the coding strand, the complement: PMS2 is on the minus strand). VCF-style: chr7-6006026-T-G. GRCh37 (hg19) VCF-style: chr7-6045657-T-G.
Other names: c.-377A>C (NM_001322003.2, NM_001322005.2, NM_001322009.2 and 1 more transcripts); c.29A>C, p.Glu10Ala (NM_001322006.2, NM_001322014.2); c.-187A>C (NM_001322007.2); c.-856A>C (NM_001322011.2, NM_001322012.2); c.-456A>C (NM_001322015.2); c.-52-1968A>C (NM_001322008.2); c.-242-1968A>C (NM_001322010.2, NM_001322004.2); short protein forms E10A.
Identifiers: ClinVar variation 237912 (VCV000237912.18), dbSNP rs878854050, ClinGen allele CA10582533.
Genomic context (GRCh38, chr7:6,006,026, plus strand): 5'-TGCCCAGAGCAAATCTGATGGACTGACTTCCGATCAATAGGTTTGATGGCCTTAGCAGGT[T>G]CTGTACTAGAGAAATCAGTTACAAGAAACAAATCAAGTATTCAGCTATATATTTTCATCC-3'
Protein context (NP_000526.2, residues 1-20): MERAESSST[Glu10Ala]PAKAIKPIDR

ClinVar aggregate classification (germline): Uncertain significance. Review status: criteria provided, multiple submitters, no conflicts (2 of 4 stars). 4 submissions from 4 submitters: Uncertain significance (4). Last evaluated 2025-06-12.

Conditions:
Hereditary cancer-predisposing syndrome. Also called: Neoplastic Syndromes, Hereditary; Hereditary neoplastic syndrome; Tumor predisposition; Hereditary Cancer Syndrome. Identifiers: Orphanet 140162, MedGen C0027672, MeSH D009386, MONDO:0015356.
Hereditary nonpolyposis colorectal neoplasms. Identifiers: MedGen C0009405, MeSH D003123.

Allele frequency attached by ClinVar (database versions not stated): gnomAD exomes below 0.00001; gnomAD 0.00001.
gnomAD v4.1: 3 of 1,610,590 alleles (0.00019%); highest among the groups gnomAD compares: African/African-American, 0.004%; no homozygotes.

Submissions (4):

Labcorp Genetics (formerly Invitae), Labcorp
Classification: Uncertain significance for Hereditary nonpolyposis colorectal neoplasms. Last evaluated: 2025-06-12. Review status: criteria provided, single submitter. Criteria: Invitae Variant Classification Sherloc (09022015). Collection method: clinical testing. Allele origin: germline.
Comment: This sequence change replaces glutamic acid, which is acidic and polar, with alanine, which is neutral and non-polar, at codon 10 of the PMS2 protein (p.Glu10Ala). This variant is not present in population databases (gnomAD no frequency). This variant has not been reported in the literature in individuals affected with PMS2-related conditions. ClinVar contains an entry for this variant (Variation ID: 237912). Invitae Evidence Modeling incorporating data from in vitro experimental studies (internal data) indicates that this missense variant is not expected to disrupt PMS2 function with a negative predictive value of 95%. In summary, the available evidence is currently insufficient to determine the role of this variant in disease. Therefore, it has been classified as a Variant of Uncertain Significance.

Ambry Genetics
Classification: Uncertain significance for Hereditary cancer-predisposing syndrome. Last evaluated: 2024-01-15. Review status: criteria provided, single submitter. Criteria: Ambry Variant Classification Scheme 2023. Collection method: clinical testing. Allele origin: germline.
Comment: The p.E10A variant (also known as c.29A>C), located in coding exon 2 of the PMS2 gene, results from an A to C substitution at nucleotide position 29. The glutamic acid at codon 10 is replaced by alanine, an amino acid with dissimilar properties. This amino acid position is well conserved in available vertebrate species. In addition, the in silico prediction for this alteration is inconclusive. Since supporting evidence is limited at this time, the clinical significance of this alteration remains unclear.

Color Diagnostics, LLC DBA Color Health
Classification: Uncertain significance for Hereditary cancer-predisposing syndrome. Last evaluated: 2023-12-04. Review status: criteria provided, single submitter. Criteria: ACMG Guidelines, 2015. Collection method: clinical testing. Allele origin: germline.
Comment: This missense variant replaces glutamic acid with alanine at codon 10 of the PMS2 protein. Computational prediction suggests that this variant may not impact protein structure and function (internally defined REVEL score threshold <= 0.5, PMID: 27666373). To our knowledge, functional studies have not been reported for this variant. This variant has not been reported in individuals affected with PMS2-related disorders in the literature. This variant has not been identified in the general population by the Genome Aggregation Database (gnomAD). The available evidence is insufficient to determine the role of this variant in disease conclusively. Therefore, this variant is classified as a Variant of Uncertain Significance.

GeneDx
Classification: Uncertain significance. Last evaluated: 2020-10-23. Review status: criteria provided, single submitter. Criteria: GeneDx Variant Classification Process June 2021. Collection method: clinical testing. Allele origin: germline. Affected: yes.
Comment: Not observed in large population cohorts (Lek 2016); In silico analysis supports that this missense variant has a deleterious effect on protein structure/function; Has not been previously published as pathogenic or benign to our knowledge